The following is an entry in ClinVar:

ClinVar aggregate classification (germline): Uncertain significance (1 of 4 stars; one submission).

Conditions:
Inborn genetic diseases. Identifiers: MedGen C0950123, MeSH D030342.

Submission:

Ambry Genetics
Classification: Uncertain significance for Inborn genetic diseases. Last evaluated: 2026-04-04. Review status: criteria provided, single submitter. Criteria: Ambry Variant Classification Scheme 2023. Collection method: clinical testing. Allele origin: germline.
Comment: The p.S1168A variant (also known as c.3502T>G), located in coding exon 16 of the MECOM gene, results from a T to G substitution at nucleotide position 3502. The serine at codon 1168 is replaced by alanine, an amino acid with similar properties. This amino acid position is conserved. In addition, this alteration is predicted to be tolerated by in silico analysis. Based on the available evidence, the clinical significance of this variant remains unclear.

NM_004991.4(MECOM):c.3502T>G (p.Ser1168Ala)

Gene: MECOM (MDS1 and EVI1 complex locus; minus strand). Cytogenetic location: 3q26.2.
Variant type: single nucleotide variant.
Coding change: c.3502T>G on transcript NM_004991.4 (MANE Select); coding-DNA position 3502, T replaced by G.
Protein change: p.Ser1168Ala; replaces serine 1168 with alanine.
Molecular consequence: missense variant.
Genome position (GRCh38, 1-based): chr3:169,089,083, A>C on the plus strand (T>G on the coding strand, the complement: MECOM is on the minus strand). VCF-style: chr3-169089083-A-C. GRCh37 (hg19) VCF-style: chr3-168806871-A-C.
Other names: c.3133T>G, p.Ser1045Ala (NM_001105077.4); c.2938T>G, p.Ser980Ala (NM_001105078.4, NM_001205194.2, NM_001366469.2 and 1 more transcripts); c.2914T>G, p.Ser972Ala (NM_001163999.2, NM_001366470.2); c.2911T>G, p.Ser971Ala (NM_001164000.2, NM_001366471.2, NM_001366472.2); c.3475T>G, p.Ser1159Ala (NM_001366466.2); c.2941T>G, p.Ser981Ala (NM_001366467.2, NM_001366468.2); c.2503T>G, p.Ser835Ala (NM_001366473.2); c.1939T>G, p.Ser647Ala (NM_001366474.2); short protein forms S1045A, S1168A, S647A, S835A, S981A, S980A, S1159A, S971A.
Identifiers: ClinVar variation 4053359 (VCV004053359.2).